The following is an entry in ClinVar:

NM_000169.3(GLA):c.667T>G (p.Cys223Gly)

Genes: GLA (galactosidase alpha; minus strand), RPL36A-HNRNPH2 (RPL36A-HNRNPH2 readthrough; plus strand). Cytogenetic location: Xq22.1.
Variant type: single nucleotide variant.
Coding change: c.667T>G on transcript NM_000169.3 (MANE Select); coding-DNA position 667, T replaced by G.
Protein change: p.Cys223Gly; replaces cysteine 223 with glycine.
Molecular consequence: missense variant. On other transcripts: non-coding transcript variant (3), intron variant (2).
Genome position (GRCh38, 1-based): chrX:101,398,919, A>C on the plus strand (T>G on the coding strand, the complement: GLA is on the minus strand). VCF-style: chrX-101398919-A-C. GRCh37 (hg19) VCF-style: chrX-100653907-A-C.
Other names: c.790T>G, p.Cys264Gly (NM_001406747.1); c.667T>G, p.Cys223Gly (NM_001406748.1); c.300+3462A>C (NM_001199973.2); c.177+7097A>C (NM_001199974.2); short protein forms C223G, C264G.
Identifiers: ClinVar variation 4087458 (VCV004087458.2), dbSNP rs869312381.

ClinVar aggregate classification (germline): Pathogenic (1 of 4 stars; one submission).

Conditions:
Fabry disease. Also called: ALPHA-GALACTOSIDASE A DEFICIENCY; ANDERSON-FABRY DISEASE; CERAMIDE TRIHEXOSIDASE DEFICIENCY; GLA DEFICIENCY; HEREDITARY DYSTOPIC LIPIDOSIS; Angiokeratoma corporis diffusum. Identifiers: Orphanet 324, MedGen C0002986, MONDO:0010526, OMIM 301500, HP:0001071. Disease mechanism: Fabry disease is due to inactivating mutations in the X-linked GLA gene resulting in deficiency of the enzyme Alpha Galactosidase-A., loss of function.

Submission:

Genomenon, Inc
Classification: Pathogenic for Fabry disease. Last evaluated: 2026-09-08. Review status: criteria provided, single submitter. Criteria: Genomenon Sequence Variant Interpretation Standards - Updated. Collection method: curation. Allele origin: germline. Affected: yes.
Comment: GLA p.Cys223Gly (c.667T>G) is a missense variant that changes the amino acid at codon 223 from Cysteine to Glycine. This variant has been observed in at least one proband with clinical features consistent with Fabry disease (PMID:10208848;31718986). At least one functional study has demonstrated a substantial alteration in protein function relative to the wild-type (PMID:27657681). This variant is located in a mutational hotspot and/or important functional domain. It is absent or not present at a significant frequency in gnomAD. In silico models predict that this variant is possibly or probably damaging. In conclusion, we classify GLA p.Cys223Gly (c.667T>G) as a pathogenic variant.

Literature cited by the submitters: PubMed 10208848; PubMed 31718986; PubMed 27657681.